The following is an entry in ClinVar:

ClinVar aggregate classification (germline): Conflicting classifications of pathogenicity. Review status: criteria provided, conflicting classifications (1 of 4 stars). 2 submissions from 2 submitters: Uncertain significance (1); Likely benign (1). Last evaluated 2022-03-01.

Conditions:
Panhypopituitarism, X-linked (PHPX). Also called: PITUITARY DWARFISM IV. Identifiers: MedGen C0342376, MONDO:0010712, OMIM 312000.

Submissions (2):

CeGaT Center for Human Genetics Tuebingen
Classification: Likely benign. Last evaluated: 2022-03-01. Review status: criteria provided, single submitter. Criteria: CeGaT Center For Human Genetics Tuebingen Variant Classification Criteria Version 2. Collection method: clinical testing. Allele origin: germline. Affected: yes. Observed: 1 variant allele.
Comment: SOX3: PM2, BP4, BS2

Centre for Mendelian Genomics, University Medical Centre Ljubljana
Classification: Uncertain significance for Panhypopituitarism, X-linked. Last evaluated: 2019-07-05. Review status: criteria provided, single submitter. Criteria: ACMG Guidelines, 2015. Collection method: clinical testing. Allele origin: unknown. Affected: yes.
Comment: This variant was classified as: Uncertain significance. The available evidence on this variant's pathogenicity is insufficient or conflicting. The following ACMG criteria were applied in classifying this variant: PM2. This variant was detected in hemizygous state.

NM_005634.3(SOX3):c.186TCC[1] (p.Pro64del)

Genes: SOX3 (SRY-box transcription factor 3; minus strand), LOC108281134 (SOX3 promoter region; plus strand). Cytogenetic location: Xq27.1.
Variant type: Microsatellite.
Coding change: c.186TCC[1] on transcript NM_005634.3 (MANE Select); one copy of the 3-base unit TCC starting at c.186; the reference has two copies in a row; one copy, 3 bases deleted.
Protein change: p.Pro64del; deletes proline 64.
Molecular consequence: inframe deletion.
Genome position (GRCh38, 1-based): chrX:140,504,870-140,504,872, GGA deleted on the plus strand (TCC on the coding strand, the reverse complement: SOX3 is on the minus strand); deleting any 3 consecutive bases within chrX:140,504,870-140,504,876 gives the same sequence; the position shown is the placement nearest the transcript's 3' end. VCF-style (leftmost placement, unchanged base first): chrX-140504869-GGGA-G. GRCh37 (hg19) VCF-style: chrX-139587034-GGGA-G.
Other names: short protein forms P64del.
Identifiers: ClinVar variation 931754 (VCV000931754.36), dbSNP rs1927349741, ClinGen allele CA2461733056.
Genomic context (GRCh38, chrX:140,504,869, plus strand): 5'-GAGTTCAGTCTCCAGAAGGCTGTACATTGCCGGGGCGGGAAGAAGGTGCGCCAGCGTGGC[GGGA>G]GGAGAAGGCGCTCCCGGGGCTGGAGCGGCCACGGTGAAAAGGCCCTGGGACTCCGTCGGA-3'